The following is an entry in ClinVar:

ClinVar aggregate classification (germline): Uncertain significance (1 of 4 stars; one submission).

Allele frequency attached by ClinVar (database versions not stated): gnomAD exomes 0.00001 and 0.00002; ExAC 0.00002.
gnomAD v4.1: 5 of 1,614,150 alleles (0.00031%); highest among the groups gnomAD compares: South Asian, 0.0055%; no homozygotes.

Submission:

Labcorp Genetics (formerly Invitae), Labcorp
Classification: Uncertain significance. Last evaluated: 2023-05-15. Review status: criteria provided, single submitter. Criteria: Invitae Variant Classification Sherloc (09022015). Collection method: clinical testing. Allele origin: germline.
Comment: This sequence change replaces glutamic acid, which is acidic and polar, with glycine, which is neutral and non-polar, at codon 168 of the BACH2 protein (p.Glu168Gly). This variant is present in population databases (rs772782826, gnomAD 0.01%). This variant has not been reported in the literature in individuals affected with BACH2-related conditions. ClinVar contains an entry for this variant (Variation ID: 1430629). Advanced modeling of protein sequence and biophysical properties (such as structural, functional, and spatial information, amino acid conservation, physicochemical variation, residue mobility, and thermodynamic stability) performed at Invitae indicates that this missense variant is not expected to disrupt BACH2 protein function. In summary, the available evidence is currently insufficient to determine the role of this variant in disease. Therefore, it has been classified as a Variant of Uncertain Significance.

NM_021813.4(BACH2):c.503A>G (p.Glu168Gly)

Gene: BACH2 (BACH transcriptional regulator 2; minus strand). Cytogenetic location: 6q15.
Variant type: single nucleotide variant.
Coding change: c.503A>G on transcript NM_021813.4 (MANE Select); coding-DNA position 503, A replaced by G.
Protein change: p.Glu168Gly; replaces glutamic acid 168 with glycine.
Molecular consequence: missense variant.
Genome position (GRCh38, 1-based): chr6:89,951,603, T>C on the plus strand (A>G on the coding strand, the complement: BACH2 is on the minus strand). VCF-style: chr6-89951603-T-C. GRCh37 (hg19) VCF-style: chr6-90661322-T-C.
Other names: c.503A>G, p.Glu168Gly (NM_001170794.2); short protein forms E168G.
Identifiers: ClinVar variation 1430629 (VCV001430629.8), dbSNP rs772782826, ClinGen allele CA3928155.
Genomic context (GRCh38, chr6:89,951,603, plus strand): 5'-TCTGGAAGCATCTGGTCCCTGGGGCAAGCCATCTTGGCCGTCTCTGAATCCATCGTCTCC[T>C]CCTCTTCATCCTCCTCCTCTCCTGCAGAGTTCTCGCAGTCCTCGTGTGGGCGCTGGCACG-3'
Protein context (NP_068585.1, residues 158-178): NSAGEEEDEE[Glu168Gly]ETMDSETAKM